The following is an entry in ClinVar:

ClinVar aggregate classification (germline): Uncertain significance. Review status: criteria provided, multiple submitters, no conflicts (2 of 4 stars). 4 submissions from 3 submitters: Uncertain significance (4). Last evaluated 2024-12-23.

Conditions:
Mitochondrial complex I deficiency, nuclear type 1. Also called: NADH-COENZYME Q REDUCTASE DEFICIENCY; MITOCHONDRIAL NADH DEHYDROGENASE COMPONENT OF COMPLEX I, DEFICIENCY OF. Identifiers: MedGen C6022305, MONDO:0100224, OMIM 252010.
Mitochondrial complex I deficiency, nuclear type 4. Also called: Mitochondrial complex 1 deficiency, nuclear type 4. Identifiers: MedGen C4748753, MONDO:0032609, OMIM 618225.
Inborn genetic diseases. Identifiers: MedGen C0950123, MeSH D030342.

Allele frequency attached by ClinVar (database versions not stated): gnomAD 0.00001.
gnomAD v4.1: 19 of 1,604,560 alleles (0.0012%); highest among the groups gnomAD compares: Admixed American, 0.032%; no homozygotes.

Submissions (4):

Ambry Genetics
Classification: Uncertain significance for Inborn genetic diseases. Last evaluated: 2024-12-23. Review status: criteria provided, single submitter. Criteria: Ambry Variant Classification Scheme 2023. Collection method: clinical testing. Allele origin: germline.

Baylor Genetics
Classification: Uncertain significance for Mitochondrial complex I deficiency, nuclear type 4. Last evaluated: 2022-12-25. Review status: criteria provided, single submitter. Criteria: ACMG Guidelines, 2015. Collection method: clinical testing. Allele origin: unknown.

Labcorp Genetics (formerly Invitae), Labcorp
Classification: Uncertain significance. Last evaluated: 2022-07-07. Review status: criteria provided, single submitter. Criteria: Invitae Variant Classification Sherloc (09022015). Collection method: clinical testing. Allele origin: germline.
Comment: This sequence change replaces serine, which is neutral and polar, with alanine, which is neutral and non-polar, at codon 167 of the NDUFV1 protein (p.Ser167Ala). This variant is present in population databases (rs773368756, gnomAD 0.05%). This variant has not been reported in the literature in individuals affected with NDUFV1-related conditions. ClinVar contains an entry for this variant (Variation ID: 1031700). Advanced modeling of protein sequence and biophysical properties (such as structural, functional, and spatial information, amino acid conservation, physicochemical variation, residue mobility, and thermodynamic stability) performed at Invitae indicates that this missense variant is not expected to disrupt NDUFV1 protein function. In summary, the available evidence is currently insufficient to determine the role of this variant in disease. Therefore, it has been classified as a Variant of Uncertain Significance.

Baylor Genetics
Classification: Uncertain significance for Mitochondrial complex I deficiency, nuclear type 1. Last evaluated: 2018-05-11. Review status: criteria provided, single submitter. Criteria: ACMG Guidelines, 2015. Collection method: clinical testing. Allele origin: maternal. Affected: yes.
Comment: This variant was determined to be of uncertain significance according to ACMG Guidelines, 2015 [PMID:25741868].

NM_007103.4(NDUFV1):c.499T>G (p.Ser167Ala)

Gene: NDUFV1 (NADH:ubiquinone oxidoreductase core subunit V1; plus strand). Cytogenetic location: 11q13.2.
Variant type: single nucleotide variant.
Coding change: c.499T>G on transcript NM_007103.4 (MANE Select); coding-DNA position 499, T replaced by G.
Protein change: p.Ser167Ala; replaces serine 167 with alanine.
Molecular consequence: missense variant.
Genome position (GRCh38, 1-based): chr11:67,609,624, T>G. VCF-style: chr11-67609624-T-G. GRCh37 (hg19) VCF-style: chr11-67377095-T-G.
Other names: c.472T>G, p.Ser158Ala (NM_001166102.2); short protein forms S167A, S158A.
Identifiers: ClinVar variation 1031700 (VCV001031700.4), dbSNP rs773368756, ClinGen allele CA6143185.